The following is an entry in ClinVar:

NM_058216.3(RAD51C):c.135G>A (p.Glu45=)

Gene: RAD51C (RAD51 paralog C; plus strand). Cytogenetic location: 17q22.
Variant type: single nucleotide variant.
Coding change: c.135G>A on transcript NM_058216.3 (MANE Select); coding-DNA position 135, G replaced by A.
Protein change: p.Glu45=; no amino-acid change (glutamic acid 45 retained).
Molecular consequence: synonymous variant. On other transcripts: non-coding transcript variant (1).
Genome position (GRCh38, 1-based): chr17:58,692,778, G>A. VCF-style: chr17-58692778-G-A. GRCh37 (hg19) VCF-style: chr17-56770139-G-A.
Other names: c.135G>A, p.Glu45= (NM_002876.4).
Identifiers: ClinVar variation 480513 (VCV000480513.20), dbSNP rs371608994, ClinGen allele CA501074399.
Genomic context (GRCh38, chr17:58,692,778, plus strand): 5'-GAAGCTGGTGTCTGCGGGGTTCCAGACTGCTGAGGAACTCCTAGAGGTGAAACCCTCCGA[G>A]CTTAGCAAAGGTAACGACTCCTGATGGCAAGCTGAGGCACACCGGCCGCCGTCAGCGCCG-3'
Protein context (NP_478123.1, residues 35-55): AEELLEVKPS[Glu45=]LSKEVGISKA

ClinVar aggregate classification (germline): Benign/Likely benign. Review status: criteria provided, multiple submitters, no conflicts (2 of 4 stars). 5 submissions from 5 submitters: Benign (1); Likely benign (4). Last evaluated 2025-12-08.

Conditions:
Fanconi anemia complementation group O. Also called: RAD51C-Related Fanconi Anemia. Identifiers: Orphanet 84, MedGen C3150653, MONDO:0013248, OMIM 613390.
Hereditary cancer-predisposing syndrome. Also called: Hereditary neoplastic syndrome; Neoplastic Syndromes, Hereditary; Tumor predisposition; Hereditary Cancer Syndrome. Identifiers: Orphanet 140162, MedGen C0027672, MeSH D009386, MONDO:0015356.
Breast-ovarian cancer, familial, susceptibility to, 3. Also called: RAD51C-Related Breast/Ovarian Cancer. Identifiers: Orphanet 145, MedGen C3150659, MONDO:0013253, OMIM 613399.

Allele frequency attached by ClinVar (database versions not stated): TOPMed 0.00001.
gnomAD v4.1: 7 of 1,614,108 alleles (0.00043%); highest among the groups gnomAD compares: Non-Finnish European, 0.00059%; no homozygotes.

Submissions (5):

Labcorp Genetics (formerly Invitae), Labcorp
Classification: Likely benign for Fanconi anemia complementation group O. Last evaluated: 2025-12-08. Review status: criteria provided, single submitter. Criteria: Invitae Variant Classification Sherloc (09022015). Collection method: clinical testing. Allele origin: germline.

Myriad Genetics, Inc.
Classification: Benign for Breast-ovarian cancer, familial, susceptibility to, 3. Last evaluated: 2025-02-14. Review status: criteria provided, single submitter. Criteria: Myriad Autosomal Dominant, Autosomal Recessive and X-Linked Classification Criteria (2023). Collection method: clinical testing. Allele origin: unknown.
Comment: This variant is considered benign. This variant is a silent/synonymous amino acid change and it is not expected to impact splicing.

Sema4
Classification: Likely benign for Hereditary cancer-predisposing syndrome. Last evaluated: 2021-03-01. Review status: criteria provided, single submitter. Criteria: Sema4 Curation Guidelines. Collection method: curation. Allele origin: germline.

Color Diagnostics, LLC DBA Color Health
Classification: Likely benign for Hereditary cancer-predisposing syndrome. Last evaluated: 2017-05-09. Review status: criteria provided, single submitter. Criteria: ACMG Guidelines, 2015. Collection method: clinical testing. Allele origin: germline.

Ambry Genetics
Classification: Likely benign for Hereditary cancer-predisposing syndrome. Last evaluated: 2016-10-17. Review status: criteria provided, single submitter. Criteria: Ambry Variant Classification Scheme 2023. Collection method: clinical testing. Allele origin: germline.